The following is an entry in ClinVar:

ClinVar aggregate classification (germline): Conflicting classifications of pathogenicity. Review status: criteria provided, conflicting classifications (1 of 4 stars). 2 submissions from 2 submitters: Likely pathogenic (1); Uncertain significance (1). Last evaluated 2025-09-03.

Submissions (2):

Women's Health and Genetics/Laboratory Corporation of America, LabCorp
Classification: Uncertain significance. Last evaluated: 2025-09-03. Review status: criteria provided, single submitter. Criteria: LabCorp Variant Classification Summary - May 2015. Collection method: clinical testing. Allele origin: germline.
Comment: Variant summary: GLA c.224_228delinsCA (p.Leu75_Met76delinsPro) results in an in-frame deletion-insertion that is predicted to delete one amino acid from the protein and also cause a change in one amino acid. The variant was absent in 182985 control chromosomes. The available data on variant occurrences in the general population are insufficient to allow any conclusion about variant significance. To our knowledge, no occurrence of c.224_228delinsCA in individuals affected with GLA-related conditions and no experimental evidence demonstrating its impact on protein function have been reported. ClinVar contains an entry for this variant (Variation ID: 1675254). Based on the evidence outlined above, the variant was classified as uncertain significance.

GeneDx
Classification: Likely pathogenic. Last evaluated: 2022-03-28. Review status: criteria provided, single submitter. Criteria: GeneDx Variant Classification Process June 2021. Collection method: clinical testing. Allele origin: germline. Affected: yes.
Comment: Has not been previously published as pathogenic or benign to our knowledge; Not observed in large population cohorts (gnomAD); In-frame deletion of 2 amino acids and insertion of 1 amino acid in a non-repeat region; In silico analysis supports a deleterious effect on protein structure/function

NM_000169.3(GLA):c.224_228delinsCA (p.Leu75_Met76delinsPro)

Genes: RPL36A-HNRNPH2 (RPL36A-HNRNPH2 readthrough; plus strand), GLA (galactosidase alpha; minus strand). Cytogenetic location: Xq22.1.
Variant type: Indel.
Coding change: c.224_228delinsCA on transcript NM_000169.3 (MANE Select); coding-DNA positions 224 to 228, TCATG replaced by CA.
Protein change: p.Leu75_Met76delinsPro.
Molecular consequence: inframe indel. On other transcripts: non-coding transcript variant (3), intron variant (2).
Genome position (GRCh38, 1-based): chrX:101,403,952-101,403,956, CATGA replaced by TG on the plus strand (TCATG replaced by CA on the coding strand, the reverse complement: GLA is on the minus strand). VCF-style: chrX-101403952-CATGA-TG. GRCh37 (hg19) VCF-style: chrX-100658940-CATGA-TG.
Other names: c.224_228delTCATGinsCA, p.Leu75_Met76delinsPro (NM_000169.2); c.347_351delinsCA, p.Leu116_Met117delinsPro (NM_001406747.1, NM_001406749.1); c.224_228delinsCA, p.Leu75_Met76delinsPro (NM_001406748.1); c.301-7984_301-7980delinsTG (NM_001199973.2); c.178-7984_178-7980delinsTG (NM_001199974.2).
Identifiers: ClinVar variation 1675254 (VCV001675254.3), dbSNP rs2147480882, ClinGen allele CA2573159125.